The following is an entry in ClinVar:

NC_000002.12:g.9523337_9523340del

Gene: ADAM17 (ADAM metallopeptidase domain 17; minus strand). Cytogenetic location: 2p25.1.
Variant type: Deletion.
Genome position: GRCh38 VCF-style: chr2-9523333-CTCTA-C. GRCh37 (hg19) VCF-style: chr2-9663462-CTCTA-C.
Identifiers: ClinVar variation 2767335 (VCV002767335.3), dbSNP rs1558514834, ClinGen allele CA916470647.
Genomic context (GRCh38, chr2:9,523,333, plus strand): 5'-TTTAAAACCTGCATTATCCCATGAAGTGTTCCGATAGATGTCATCAACTCTGTCAATTAG[CTCTA>C]TCTGTGTGTATTTAAAAAAGAAAAAAGACATTATGTAACTCTTTACCTCTCCTGGCAATG-3'

ClinVar aggregate classification (germline): Pathogenic (1 of 4 stars; one submission).

Conditions:
Inflammatory skin and bowel disease, neonatal, 1. Identifiers: Orphanet 294023, MedGen C3280501, MONDO:0013693, OMIM 614328.

Submission:

Labcorp Genetics (formerly Invitae), Labcorp
Classification: Pathogenic for Inflammatory skin and bowel disease, neonatal, 1. Last evaluated: 2025-01-13. Review status: criteria provided, single submitter. Criteria: Invitae Variant Classification Sherloc (09022015). Collection method: clinical testing. Allele origin: germline.
Comment: This sequence change creates a premature translational stop signal (p.Ile252Serfs*2) in the ADAM17 gene. It is expected to result in an absent or disrupted protein product. Loss-of-function variants in ADAM17 are known to be pathogenic (PMID: 22010916, 25804906). This variant is not present in population databases (gnomAD no frequency). This variant has not been reported in the literature in individuals affected with ADAM17-related conditions. ClinVar contains an entry for this variant (Variation ID: 2767335). For these reasons, this variant has been classified as Pathogenic.

Literature cited by the submitters: PubMed 22010916; PubMed 25804906.